The following is an entry in ClinVar:

NM_014946.4(SPAST):c.1739T>C (p.Ile580Thr)

Gene: SPAST (spastin; plus strand). Cytogenetic location: 2p22.3.
Variant type: single nucleotide variant.
Coding change: c.1739T>C on transcript NM_014946.4 (MANE Select); coding-DNA position 1739, T replaced by C.
Protein change: p.Ile580Thr; replaces isoleucine 580 with threonine.
Molecular consequence: missense variant. On other transcripts: 3 prime UTR variant (1).
Genome position (GRCh38, 1-based): chr2:32,154,384, T>C. VCF-style: chr2-32154384-T-C. GRCh37 (hg19) VCF-style: chr2-32379453-T-C.
Other names: c.1736T>C, p.Ile579Thr (NM_001363823.2); c.1640T>C, p.Ile547Thr (NM_001363875.2); c.*12T>C (NM_001377959.1); c.1643T>C, p.Ile548Thr (NM_199436.2); short protein forms I547T, I548T, I579T, I580T.
Identifiers: ClinVar variation 5020937 (VCV005020937.1).

ClinVar aggregate classification (germline): Uncertain significance (1 of 4 stars; one submission).

gnomAD v4.1: 1 of 1,613,068 alleles (0.000062%); highest among the groups gnomAD compares: South Asian, 0.0011%; no homozygotes.

Submission:

Dasa
Classification: Uncertain significance. Last evaluated: 2025-06-18. Review status: criteria provided, single submitter. Criteria: DASA Assertion Criteria. Collection method: clinical testing. Allele origin: germline.
Comment: NM_014946.4(SPAST):c.1739T>C (p.Ile580Thr) is a missense variant that results in the substitution of isoleucine with threonine. This variant has been recurrently observed in individuals with SPAST-related disorders (PMID: 33507371; PMID: 20932283). Also, this variant is rare in population databases. Computational prediction algorithms are consistent with a deleterious effect. The currently available literature and clinical evidence are not sufficient to establish a definitive association between this variant and the reported condition. Therefore, this variant is classified as a variant of uncertain significance.

Literature cited by the submitters: PubMed 20932283; PubMed 33507371.